The following is an entry in ClinVar:

ClinVar aggregate classification (germline): Uncertain significance (1 of 4 stars; one submission).

Submission:

GeneDx
Classification: Uncertain significance. Last evaluated: 2023-08-30. Review status: criteria provided, single submitter. Criteria: GeneDx Variant Classification Process June 2021. Collection method: clinical testing. Allele origin: germline. Affected: yes.
Comment: Not observed at significant frequency in large population cohorts (gnomAD); In silico analysis supports that this missense variant does not alter protein structure/function; Has not been previously published as pathogenic or benign to our knowledge

NM_001323289.2(CDKL5):c.2011G>A (p.Gly671Ser)

Gene: CDKL5 (cyclin dependent kinase like 5; plus strand). Cytogenetic location: Xp22.13.
Variant type: single nucleotide variant.
Coding change: c.2011G>A on transcript NM_001323289.2 (MANE Select); coding-DNA position 2011, G replaced by A.
Protein change: p.Gly671Ser; replaces glycine 671 with serine.
Molecular consequence: missense variant.
Genome position (GRCh38, 1-based): chrX:18,608,877, G>A. VCF-style: chrX-18608877-G-A. GRCh37 (hg19) VCF-style: chrX-18626997-G-A.
Other names: c.2011G>A, p.Gly671Ser (NM_001037343.2, NM_003159.3); short protein forms G671S.
Identifiers: ClinVar variation 3341003 (VCV003341003.1).